The following is an entry in ClinVar:

NM_005515.4(MNX1):c.892C>A (p.Arg298Ser)

Gene: MNX1 (motor neuron and pancreas homeobox 1; minus strand). Cytogenetic location: 7q36.3.
Variant type: single nucleotide variant.
Coding change: c.892C>A on transcript NM_005515.4 (MANE Select); coding-DNA position 892, C replaced by A.
Protein change: p.Arg298Ser; replaces arginine 298 with serine.
Molecular consequence: missense variant.
Genome position (GRCh38, 1-based): chr7:157,005,834, G>T on the plus strand (C>A on the coding strand, the complement: MNX1 is on the minus strand). VCF-style: chr7-157005834-G-T. GRCh37 (hg19) VCF-style: chr7-156798528-G-T.
Other names: c.256C>A, p.Arg86Ser (NM_001165255.2); short protein forms R86S, R298S.
Identifiers: ClinVar variation 3722684 (VCV003722684.2).

ClinVar aggregate classification (germline): Uncertain significance (1 of 4 stars; one submission).

Submission:

Labcorp Genetics (formerly Invitae), Labcorp
Classification: Uncertain significance. Last evaluated: 2024-10-24. Review status: criteria provided, single submitter. Criteria: Invitae Variant Classification Sherloc (09022015). Collection method: clinical testing. Allele origin: germline.
Comment: This sequence change replaces arginine, which is basic and polar, with serine, which is neutral and polar, at codon 298 of the MNX1 protein (p.Arg298Ser). This variant is not present in population databases (gnomAD no frequency). This variant has not been reported in the literature in individuals affected with MNX1-related conditions. Invitae Evidence Modeling of protein sequence and biophysical properties (such as structural, functional, and spatial information, amino acid conservation, physicochemical variation, residue mobility, and thermodynamic stability) indicates that this missense variant is expected to disrupt MNX1 protein function with a positive predictive value of 80%. In summary, the available evidence is currently insufficient to determine the role of this variant in disease. Therefore, it has been classified as a Variant of Uncertain Significance.